The following is an entry in ClinVar:

NM_004960.4(FUS):c.1523C>T (p.Pro508Leu)

Gene: FUS (FUS RNA binding protein; plus strand). Cytogenetic location: 16p11.2.
Variant type: single nucleotide variant.
Coding change: c.1523C>T on transcript NM_004960.4 (MANE Select); coding-DNA position 1523, C replaced by T.
Protein change: p.Pro508Leu; replaces proline 508 with leucine.
Molecular consequence: missense variant. On other transcripts: non-coding transcript variant (1).
Genome position (GRCh38, 1-based): chr16:31,191,092, C>T. VCF-style: chr16-31191092-C-T. GRCh37 (hg19) VCF-style: chr16-31202413-C-T.
Other names: c.1520C>T, p.Pro507Leu (NM_001170634.1); c.1511C>T, p.Pro504Leu (NM_001170937.1); short protein forms P504L, P507L, P508L.
Identifiers: ClinVar variation 4532433 (VCV004532433.1).

ClinVar aggregate classification (germline): Uncertain significance (1 of 4 stars; one submission).

gnomAD v4.1: 1 of 1,612,808 alleles (0.000062%); highest among the groups gnomAD compares: Non-Finnish European, 0.000085%; no homozygotes.

Submission:

GeneDx
Classification: Uncertain significance. Last evaluated: 2025-05-25. Review status: criteria provided, single submitter. Criteria: GeneDx Variant Classification Process June 2021. Collection method: clinical testing. Allele origin: germline. Affected: yes.
Comment: Not observed at significant frequency in large population cohorts (gnomAD); In silico analysis supports that this missense variant has a deleterious effect on protein structure/function; Has not been previously published as pathogenic or benign to our knowledge